The following is an entry in ClinVar:

ClinVar aggregate classification (germline): Benign. Review status: criteria provided, single submitter (1 of 4 stars). 2 submissions from 2 submitters: Benign (1). 1 of the submissions does not count toward it. Last evaluated 2025-06-16.

Conditions:
HOXA13-related disorder. Also called: HOXA13-related condition.

Allele frequency attached by ClinVar (database versions not stated): gnomAD 0.00003; ExAC 0.00013.

Submissions (2):

Labcorp Genetics (formerly Invitae), Labcorp
Classification: Benign. Last evaluated: 2025-06-16. Review status: criteria provided, single submitter. Criteria: Invitae Variant Classification Sherloc (09022015). Collection method: clinical testing. Allele origin: germline.

PreventionGenetics, part of Exact Sciences
Classification: Likely benign for HOXA13-related condition. Last evaluated: 2024-05-15. Review status: no assertion criteria provided. Collection method: clinical testing. Allele origin: germline. Not counted in ClinVar's aggregate classification.
Comment: This variant is classified as likely benign based on ACMG/AMP sequence variant interpretation guidelines (Richards et al. 2015 PMID: 25741868, with internal and published modifications).

NM_000522.5(HOXA13):c.129A>G (p.Ala43=)

Genes: HOXA13 (homeobox A13; minus strand), LOC107126288 (NUP98-HOXA13 recombination region; plus strand). Cytogenetic location: 7p15.2.
Variant type: single nucleotide variant.
Coding change: c.129A>G on transcript NM_000522.5 (MANE Select); coding-DNA position 129, A replaced by G.
Protein change: p.Ala43=; no amino-acid change (alanine 43 retained).
Molecular consequence: synonymous variant.
Genome position (GRCh38, 1-based): chr7:27,199,949, T>C on the plus strand (A>G on the coding strand, the complement: HOXA13 is on the minus strand). VCF-style: chr7-27199949-T-C. GRCh37 (hg19) VCF-style: chr7-27239568-T-C.
Other names: c.129A>G (NM_000522.4).
Identifiers: ClinVar variation 2175156 (VCV002175156.5), dbSNP rs751175020, ClinGen allele CA4198705.
Genomic context (GRCh38, chr7:27,199,949, plus strand): 5'-AGCCGCCGGGTGGGGGAAGCCCCCGCCCCCGGCCCCGGCAGCCGCCGCCGCTGCAGCCGC[T>C]GCTGCAGCCGCCGCCGCCCCTTCCATGTTCTTGTTGAGCTCGTCGGCCACCAGGCCGCCG-3'
Protein context (NP_000513.2, residues 33-53): KNMEGAAAAA[Ala43=]AAAAAAAAGA